The following is an entry in ClinVar:

ClinVar aggregate classification (germline): Conflicting classifications of pathogenicity. Review status: criteria provided, conflicting classifications (1 of 4 stars). 10 submissions from 8 submitters: Uncertain significance (8); Likely benign (2). Last evaluated 2025-10-21.

Conditions:
SPTA1-related disorder. Also called: SPTA1-related disorders; SPTA1-related condition.
Hereditary spherocytosis type 3. Also called: SPTA1-Related Spherocytosis; Spherocytosis type 3. Identifiers: Orphanet 822, MedGen C2678338, MONDO:0010053, OMIM 270970.
Pyropoikilocytosis, hereditary. Also called: Pyropoikilocytosis. Identifiers: MedGen C0520739, MONDO:0009948, OMIM 266140, HP:0004839. Disease mechanism: loss of function.
Elliptocytosis 2 (EL2). Also called: ELLIPTOCYTOSIS, RHESUS-UNLINKED TYPE. Identifiers: Orphanet 288, MedGen C1851741, MONDO:0007533, OMIM 130600.

Allele frequency attached by ClinVar (database versions not stated): ExAC 0.00027; 1000 Genomes Project 0.00060; 1000 Genomes Project 30x 0.00062; ESP Exome Variant Server 0.00065; TOPMed 0.00067; gnomAD 0.00092.

Submissions (10):

Labcorp Genetics (formerly Invitae), Labcorp
Classification: Likely benign. Last evaluated: 2025-10-21. Review status: criteria provided, single submitter. Criteria: Invitae Variant Classification Sherloc (09022015). Collection method: clinical testing. Allele origin: germline.

PreventionGenetics, part of Exact Sciences
Classification: Uncertain significance for SPTA1-related condition. Last evaluated: 2024-12-19. Review status: criteria provided, single submitter. Criteria: ACMG Guidelines, 2015. Collection method: clinical testing. Allele origin: germline.
Comment: The SPTA1 c.4591G>C variant is predicted to result in the amino acid substitution p.Ala1531Pro. To our knowledge, this variant has not been reported in the literature. This variant is reported in 0.29% of alleles in individuals of African descent in gnomAD. Although we suspect that this variant may be benign, the clinical significance of this variant is uncertain at this time due to the absence of conclusive functional and genetic evidence.

Revvity Omics, Revvity
Classification: Uncertain significance. Last evaluated: 2024-11-25. Review status: criteria provided, single submitter. Criteria: ACMG Guidelines, 2015. Collection method: clinical testing. Allele origin: germline.

GeneDx
Classification: Uncertain significance. Last evaluated: 2024-02-03. Review status: criteria provided, single submitter. Criteria: GeneDx Variant Classification Process June 2021. Collection method: clinical testing. Allele origin: germline. Affected: yes.
Comment: In silico analysis supports that this missense variant does not alter protein structure/function; Has not been previously published as pathogenic or benign to our knowledge

ARUP Laboratories, Molecular Genetics and Genomics, ARUP Laboratories
Classification: Uncertain significance. Last evaluated: 2024-01-31. Review status: criteria provided, single submitter. Criteria: ARUP Molecular Germline Variant Investigation Process 2024. Collection method: clinical testing. Allele origin: germline.

Mayo Clinic Laboratories, Mayo Clinic
Classification: Uncertain significance. Last evaluated: 2023-09-25. Review status: criteria provided, single submitter. Criteria: ACMG Guidelines, 2015. Collection method: clinical testing. Allele origin: germline. Observed: 2 variant alleles.
Comment: BP4_strong

Ambry Genetics
Classification: Likely benign. Last evaluated: 2021-08-09. Review status: criteria provided, single submitter. Criteria: Ambry Variant Classification Scheme 2023. Collection method: clinical testing. Allele origin: germline.

Illumina Laboratory Services, Illumina
Classification: Uncertain significance for Elliptocytosis 2. Last evaluated: 2017-04-27. Review status: criteria provided, single submitter. Criteria: ICSL Variant Classification Criteria 13 December 2019. Collection method: clinical testing. Allele origin: germline.

Illumina Laboratory Services, Illumina
Classification: Uncertain significance for Pyropoikilocytosis, hereditary. Last evaluated: 2017-04-27. Review status: criteria provided, single submitter. Criteria: ICSL Variant Classification Criteria 13 December 2019. Collection method: clinical testing. Allele origin: germline.

Illumina Laboratory Services, Illumina
Classification: Uncertain significance for Hereditary spherocytosis type 3. Last evaluated: 2017-04-27. Review status: criteria provided, single submitter. Criteria: ICSL Variant Classification Criteria 13 December 2019. Collection method: clinical testing. Allele origin: germline.

NM_003126.4(SPTA1):c.4591G>C (p.Ala1531Pro)

Gene: SPTA1 (spectrin alpha, erythrocytic 1; minus strand). Cytogenetic location: 1q23.1.
Variant type: single nucleotide variant.
Coding change: c.4591G>C on transcript NM_003126.4 (MANE Select); coding-DNA position 4591, G replaced by C.
Protein change: p.Ala1531Pro; replaces alanine 1531 with proline.
Molecular consequence: missense variant.
Genome position (GRCh38, 1-based): chr1:158,642,828, C>G on the plus strand (G>C on the coding strand, the complement: SPTA1 is on the minus strand). VCF-style: chr1-158642828-C-G. GRCh37 (hg19) VCF-style: chr1-158612618-C-G.
Other names: p.Ala1531Pro; short protein forms A1531P.
Identifiers: ClinVar variation 741541 (VCV000741541.25), dbSNP rs143779235, ClinGen allele CA1182651.